The following is an entry in ClinVar:

ClinVar aggregate classification (germline): Benign/Likely benign. Review status: criteria provided, multiple submitters, no conflicts (2 of 4 stars). 17 submissions from 16 submitters: Benign (6); Likely benign (7). 4 of the submissions do not count toward it. Last evaluated 2026-08-01.

Conditions:
Connective tissue disorder. Also called: Connective tissue disease. Identifiers: MedGen C0009782, MONDO:0003900.
Adams-Oliver syndrome 5 (AOS5). Identifiers: Orphanet 974, MedGen C4014970, MONDO:0014459, OMIM 616028.
Familial thoracic aortic aneurysm and aortic dissection (TAAD). Also called: Thoracic aortic aneurysms and dissections. Identifiers: Orphanet 91387, MedGen C4707243, MONDO:0019625.
Aortic valve disease 1 (AOVD1). Identifiers: MedGen C3887892, MONDO:0024523, OMIM 109730.

Allele frequency attached by ClinVar (database versions not stated): 1000 Genomes Project 30x 0.00156; 1000 Genomes Project 0.00160; ESP Exome Variant Server 0.00220; gnomAD 0.00281 and 0.00283; TOPMed 0.00303.
gnomAD v4.1: 5,666 of 1,612,598 alleles (0.35%); highest among the groups gnomAD compares: Non-Finnish European, 0.42%; 18 homozygotes.

Submissions (30):

CeGaT Center for Human Genetics Tuebingen
Classification: Likely benign. Last evaluated: 2026-08-01. Review status: criteria provided, single submitter. Criteria: CeGaT Center For Human Genetics Tuebingen Variant Classification Criteria Version 2. Collection method: clinical testing. Allele origin: germline. Affected: yes. Observed: 23 variant alleles.
Comment: NOTCH1: BP4, BP7, BS2

Labcorp Genetics (formerly Invitae), Labcorp
Classification: Benign for Adams-Oliver syndrome 5. Last evaluated: 2026-02-04. Review status: criteria provided, single submitter. Criteria: Invitae Variant Classification Sherloc (09022015). Collection method: clinical testing. Allele origin: germline.

Mayo Clinic Laboratories, Mayo Clinic
Classification: Benign. Last evaluated: 2025-04-28. Review status: criteria provided, single submitter. Criteria: ACMG Guidelines, 2015. Collection method: clinical testing. Allele origin: germline. Observed: 9 variant alleles.
Comment: BS1, BS2, BP4, BP7

ARUP Laboratories, Molecular Genetics and Genomics, ARUP Laboratories
Classification: Benign. Last evaluated: 2025-03-03. Review status: criteria provided, single submitter. Criteria: ARUP Molecular Germline Variant Investigation Process 2024. Collection method: clinical testing. Allele origin: germline.

Blueprint Genetics
Classification: Likely benign. Last evaluated: 2024-11-27. Review status: criteria provided, single submitter. Criteria: ACMG Guidelines, 2015. Collection method: clinical testing. Allele origin: germline.

Women's Health and Genetics/Laboratory Corporation of America, LabCorp
Classification: Benign. Last evaluated: 2023-07-21. Review status: criteria provided, single submitter. Criteria: LabCorp Variant Classification Summary - May 2015. Collection method: clinical testing. Allele origin: germline.

Genome-Nilou Lab
Classification: Benign for Adams-Oliver syndrome 5. Last evaluated: 2022-03-15. Review status: criteria provided, single submitter. Criteria: ACMG Guidelines, 2015. Collection method: clinical testing. Allele origin: germline. Affected: no.

Genome-Nilou Lab
Classification: Benign for Aortic valve disease 1. Last evaluated: 2022-03-15. Review status: criteria provided, single submitter. Criteria: ACMG Guidelines, 2015. Collection method: clinical testing. Allele origin: germline. Affected: no.

GeneDx
Classification: Likely benign. Last evaluated: 2021-07-26. Review status: criteria provided, single submitter. Criteria: GeneDx Variant Classification Process June 2021. Collection method: clinical testing. Allele origin: germline. Affected: yes.
Comment: This variant is associated with the following publications: (PMID: 16729972, 25194568)

CHEO Genetics Diagnostic Laboratory, Children's Hospital of Eastern Ontario
Classification: Likely benign for Familial thoracic aortic aneurysm and aortic dissection. Last evaluated: 2017-07-14. Review status: criteria provided, single submitter. Criteria: ACMG Guidelines, 2015. Collection method: clinical testing. Allele origin: germline. Study: Canadian Open Genetics Repository.

Center for Human Genetics, Inc
Classification: Likely benign for Connective tissue disorder. Last evaluated: 2016-11-01. Review status: criteria provided, single submitter. Criteria: ACMG Guidelines, 2015. Collection method: clinical testing. Allele origin: germline. Affected: yes.

Ambry Genetics
Classification: Likely benign for Familial thoracic aortic aneurysm and aortic dissection. Last evaluated: 2015-05-23. Review status: criteria provided, single submitter. Criteria: Ambry Variant Classification Scheme 2023. Collection method: clinical testing. Allele origin: germline.

Breakthrough Genomics
Classification: Likely benign. Review status: criteria provided, single submitter. Criteria: ACMG Guidelines, 2015. Collection method: not provided. Allele origin: germline. Inheritance: Autosomal dominant inheritance. Affected: yes.

Clinical Genetics DNA and cytogenetics Diagnostics Lab, Erasmus MC, Erasmus Medical Center
Classification: Likely benign. Review status: no assertion criteria provided. Collection method: clinical testing. Allele origin: germline. Affected: yes. Study: VKGL Data-share Consensus. Not counted in ClinVar's aggregate classification.

Diagnostic Laboratory, Department of Genetics, University Medical Center Groningen
Classification: Likely benign for Aortic valve disease 1. Review status: no assertion criteria provided. Collection method: clinical testing. Allele origin: germline. Affected: yes. Study: VKGL Data-share Consensus. Not counted in ClinVar's aggregate classification.

Dr. Peter K. Rogan Lab, Western University
No classification provided (evidence only). Condition: Malignant tumor of urinary bladder. Review status: no classification provided. Collection method: in vitro. Allele origin: not applicable. Functional consequence: retained intron. Not counted in ClinVar's aggregate classification.

Dr. Peter K. Rogan Lab, Western University
No classification provided (evidence only). Condition: Melanoma. Review status: no classification provided. Collection method: in vitro. Allele origin: not applicable. Functional consequence: retained intron. Not counted in ClinVar's aggregate classification.

Dr. Peter K. Rogan Lab, Western University
No classification provided (evidence only). Condition: Familial cancer of breast. Review status: no classification provided. Collection method: in vitro. Allele origin: not applicable. Functional consequence: retained intron. Not counted in ClinVar's aggregate classification.

Dr. Peter K. Rogan Lab, Western University
No classification provided (evidence only). Condition: Familial cancer of breast. Review status: no classification provided. Collection method: in vitro. Allele origin: not applicable. Functional consequence: retained intron. Not counted in ClinVar's aggregate classification.

Dr. Peter K. Rogan Lab, Western University
No classification provided (evidence only). Condition: Colorectal cancer. Review status: no classification provided. Collection method: in vitro. Allele origin: not applicable. Functional consequence: retained intron. Not counted in ClinVar's aggregate classification.

Dr. Peter K. Rogan Lab, Western University
No classification provided (evidence only). Condition: Cervical cancer. Review status: no classification provided. Collection method: in vitro. Allele origin: not applicable. Functional consequence: retained intron. Not counted in ClinVar's aggregate classification.

Dr. Peter K. Rogan Lab, Western University
No classification provided (evidence only). Condition: Sarcoma. Review status: no classification provided. Collection method: in vitro. Allele origin: not applicable. Functional consequence: retained intron. Not counted in ClinVar's aggregate classification.

Dr. Peter K. Rogan Lab, Western University
No classification provided (evidence only). Condition: Nonpapillary renal cell carcinoma. Review status: no classification provided. Collection method: in vitro. Allele origin: not applicable. Functional consequence: retained intron. Not counted in ClinVar's aggregate classification.

Dr. Peter K. Rogan Lab, Western University
No classification provided (evidence only). Condition: Nonpapillary renal cell carcinoma. Review status: no classification provided. Collection method: in vitro. Allele origin: not applicable. Functional consequence: retained intron. Not counted in ClinVar's aggregate classification.

Dr. Peter K. Rogan Lab, Western University
No classification provided (evidence only). Condition: Ovarian serous cystadenocarcinoma. Review status: no classification provided. Collection method: in vitro. Allele origin: not applicable. Functional consequence: retained intron. Not counted in ClinVar's aggregate classification.

Dr. Peter K. Rogan Lab, Western University
No classification provided (evidence only). Condition: Gastric cancer. Review status: no classification provided. Collection method: in vitro. Allele origin: not applicable. Functional consequence: retained intron. Not counted in ClinVar's aggregate classification.

Dr. Peter K. Rogan Lab, Western University
No classification provided (evidence only). Condition: Gastric cancer. Review status: no classification provided. Collection method: in vitro. Allele origin: not applicable. Functional consequence: retained intron. Not counted in ClinVar's aggregate classification.

Dr. Peter K. Rogan Lab, Western University
No classification provided (evidence only). Condition: Gastric cancer. Review status: no classification provided. Collection method: in vitro. Allele origin: not applicable. Functional consequence: retained intron. Not counted in ClinVar's aggregate classification.

Genome Diagnostics Laboratory, Amsterdam University Medical Center
Classification: Benign. Review status: no assertion criteria provided. Collection method: clinical testing. Allele origin: germline. Affected: yes. Study: VKGL Data-share Consensus. Not counted in ClinVar's aggregate classification.

Joint Genome Diagnostic Labs from Nijmegen and Maastricht, Radboudumc and MUMC+
Classification: Likely benign. Review status: no assertion criteria provided. Collection method: clinical testing. Allele origin: germline. Affected: yes. Study: VKGL Data-share Consensus. Not counted in ClinVar's aggregate classification.

Literature cited by the submitters: PubMed 16729972 (cited by Mayo Clinic Laboratories, Mayo Clinic and Ambry Genetics); PubMed 24943832 (cited by Women's Health and Genetics/Laboratory Corporation of America, LabCorp); PubMed 16614245 (cited by Women's Health and Genetics/Laboratory Corporation of America, LabCorp); PubMed 21670202 (cited by Women's Health and Genetics/Laboratory Corporation of America, LabCorp); PubMed 22210878 (cited by Women's Health and Genetics/Laboratory Corporation of America, LabCorp); PubMed 19635999 (cited by Women's Health and Genetics/Laboratory Corporation of America, LabCorp); PubMed 26837699 (cited by Women's Health and Genetics/Laboratory Corporation of America, LabCorp); PubMed 23086750 (cited by Women's Health and Genetics/Laboratory Corporation of America, LabCorp); PubMed 19245433 (cited by Women's Health and Genetics/Laboratory Corporation of America, LabCorp); PubMed 22077063 (cited by Women's Health and Genetics/Laboratory Corporation of America, LabCorp); PubMed 15472075 (cited by Women's Health and Genetics/Laboratory Corporation of America, LabCorp); PubMed 23734977 (cited by Women's Health and Genetics/Laboratory Corporation of America, LabCorp); PubMed 22858860 (cited by Women's Health and Genetics/Laboratory Corporation of America, LabCorp).

NM_017617.5(NOTCH1):c.3294C>T (p.Ser1098=)

Gene: NOTCH1 (notch receptor 1; minus strand). Cytogenetic location: 9q34.3.
Variant type: single nucleotide variant.
Coding change: c.3294C>T on transcript NM_017617.5 (MANE Select); coding-DNA position 3294, C replaced by T.
Protein change: p.Ser1098=; no amino-acid change (serine 1098 retained).
Molecular consequence: synonymous variant.
Genome position (GRCh38, 1-based): chr9:136,508,263, G>A on the plus strand (C>T on the coding strand, the complement: NOTCH1 is on the minus strand). VCF-style: chr9-136508263-G-A. GRCh37 (hg19) VCF-style: chr9-139402715-G-A.
Other names: p.Ser1098=; c.3294C>T, p.Ser1098= (LRG_1122t1); c.3294C>T (NM_017617.4).
Identifiers: ClinVar variation 220792 (VCV000220792.54), dbSNP rs61751546, ClinGen allele CA349060.
Genomic context (GRCh38, chr9:136,508,263, plus strand): 5'-ACCCGAGCTGGGTGGGCACAGCAGGTTACCTTGTCGCTGCGCAGCCACCTCACAGGACAC[G>A]CTGGGCACGTCGCAGTAAAGGCCGGTCCAGCCGCTGGGGCACTCGCAGCGGTACTGGGTG-3'
Protein context (NP_060087.3, residues 1088-1108): GWTGLYCDVP[Ser1098=]VSCEVAAQRQ